The following is an entry in ClinVar:

ClinVar aggregate classification (germline): Uncertain significance (1 of 4 stars; one submission).

Conditions:
USH2A-related disorder. Also called: USH2A-related disorders; USH2A-related condition. Identifiers: MedGen CN239332.

Submission:

Myriad Genetics, Inc.
Classification: Uncertain significance for USH2A-related disorder. Last evaluated: 2025-11-25. Review status: criteria provided, single submitter. Criteria: Myriad Autosomal Dominant, Autosomal Recessive and X-Linked Classification Criteria (2023). Collection method: clinical testing. Allele origin: unknown.
Comment: NM_206933.2(USH2A):c.13172T>C(V4391A) is a missense variant classified as a variant of uncertain significance in the context of USH2A-related disorders. V4391A has been observed in cases with relevant disease (PMID: 32675063, 29899460). Relevant functional assessments of this variant are not available in the literature. V4391A has not been observed in referenced population frequency databases. In summary, there is insufficient evidence to classify NM_206933.2(USH2A):c.13172T>C(V4391A) as pathogenic or benign. Please note: this variant was assessed in the context of healthy population screening.

Literature cited by the submitters: PubMed 29899460; PubMed 32675063.

NM_206933.4(USH2A):c.13172T>C (p.Val4391Ala)

Gene: USH2A (usherin; minus strand). Cytogenetic location: 1q41.
Variant type: single nucleotide variant.
Coding change: c.13172T>C on transcript NM_206933.4 (MANE Select); coding-DNA position 13172, T replaced by C.
Protein change: p.Val4391Ala; replaces valine 4391 with alanine.
Molecular consequence: missense variant.
Genome position (GRCh38, 1-based): chr1:215,674,739, A>G on the plus strand (T>C on the coding strand, the complement: USH2A is on the minus strand). VCF-style: chr1-215674739-A-G. GRCh37 (hg19) VCF-style: chr1-215848081-A-G.
Other names: short protein forms V4391A.
Identifiers: ClinVar variation 5003832 (VCV005003832.1).
Genomic context (GRCh38, chr1:215,674,739, plus strand): 5'-AGGTGGGAAACCAGCAGGCACAGGCCCTGGCCAGCAAGGGACTCTTTATTATCATATCTA[A>G]CTAAATATTTAGTAATCTTTCCATTTTGCACTGTGGGCGGTGACCAACATACATTCATTT-3'
Protein context (NP_996816.3, residues 4381-4401): VQNGKITKYL[Val4391Ala]RYDNKESLAG